The following is an entry in ClinVar:

ClinVar aggregate classification (germline): Uncertain significance. Review status: criteria provided, multiple submitters, no conflicts (2 of 4 stars). 3 submissions from 3 submitters: Uncertain significance (3). Last evaluated 2023-09-02.

Conditions:
Autosomal dominant nonsyndromic hearing loss 4A. Also called: Deafness, autosomal dominant 4A. Identifiers: Orphanet 90635, MedGen C1833503, MONDO:0010915, OMIM 600652.

Allele frequency attached by ClinVar (database versions not stated): gnomAD 0.00001; gnomAD exomes 0.00001; TOPMed 0.00004; ExAC 0.00005.
gnomAD v4.1: 31 of 1,546,174 alleles (0.002%); highest among the groups gnomAD compares: Admixed American, 0.0059%; no homozygotes.

Submissions (3):

Blueprint Genetics
Classification: Uncertain significance. Last evaluated: 2023-09-02. Review status: criteria provided, single submitter. Criteria: ACMG Guidelines, 2015. Collection method: clinical testing. Allele origin: germline.

Baylor Genetics
Classification: Uncertain significance for Autosomal dominant nonsyndromic hearing loss 4A. Last evaluated: 2019-02-22. Review status: criteria provided, single submitter. Criteria: ACMG Guidelines, 2015. Collection method: clinical testing. Allele origin: maternal. Affected: yes.
Comment: This variant was determined to be of uncertain significance according to ACMG Guidelines, 2015 [PMID:25741868].

Laboratory for Molecular Medicine, Mass General Brigham Personalized Medicine
Classification: Uncertain significance. Last evaluated: 2016-08-02. Review status: criteria provided, single submitter. Criteria: LMM Criteria. Collection method: clinical testing. Allele origin: germline. Observed: 1 variant allele.
Comment: The p.Arg947Cys variant in MYH14 has not been previously reported in individuals with hearing loss, but has been identified in 1/8084 European chromosomes by th e Exome Aggregation Consortium (ExAC; dbSNP rs75 7658628). Computational prediction tools and conservation analyses suggest that this variant may impact the protein, though this information is not predictive e nough to determine pathogenicity. In summary, the clinical significance of the p .Arg947Cys variant is uncertain.

NM_001145809.2(MYH14):c.2839C>T (p.Arg947Cys)

Gene: MYH14 (myosin heavy chain 14; plus strand). Cytogenetic location: 19q13.33.
Variant type: single nucleotide variant.
Coding change: c.2839C>T on transcript NM_001145809.2 (MANE Select); coding-DNA position 2839, C replaced by T.
Protein change: p.Arg947Cys; replaces arginine 947 with cysteine.
Molecular consequence: missense variant.
Genome position (GRCh38, 1-based): chr19:50,268,173, C>T. VCF-style: chr19-50268173-C-T. GRCh37 (hg19) VCF-style: chr19-50771430-C-T.
Other names: c.2740C>T, p.Arg914Cys (NM_001077186.2); c.2716C>T, p.Arg906Cys (NM_024729.4); short protein forms R947C, R906C, R914C.
Identifiers: ClinVar variation 505192 (VCV000505192.6), dbSNP rs757658628, ClinGen allele CA9593059.